The following is an entry in ClinVar:

ClinVar aggregate classification (germline): Uncertain significance. Review status: criteria provided, multiple submitters, no conflicts (2 of 4 stars). 2 submissions from 2 submitters: Uncertain significance (2). Last evaluated 2022-11-02.

Conditions:
Inborn genetic diseases. Identifiers: MedGen C0950123, MeSH D030342.
Charcot-Marie-Tooth disease type 4. Also called: Charcot-Marie-Tooth disease, type IV; Charcot-Marie-Tooth, Type 4. Identifiers: Orphanet 64749, MedGen C4082197, MONDO:0018995.

Submissions (2):

Labcorp Genetics (formerly Invitae), Labcorp
Classification: Uncertain significance for Charcot-Marie-Tooth disease type 4. Last evaluated: 2022-11-02. Review status: criteria provided, single submitter. Criteria: Invitae Variant Classification Sherloc (09022015). Collection method: clinical testing. Allele origin: germline.
Comment: In summary, the available evidence is currently insufficient to determine the role of this variant in disease. Therefore, it has been classified as a Variant of Uncertain Significance. Advanced modeling of protein sequence and biophysical properties (such as structural, functional, and spatial information, amino acid conservation, physicochemical variation, residue mobility, and thermodynamic stability) performed at Invitae indicates that this missense variant is not expected to disrupt SBF2 protein function. ClinVar contains an entry for this variant (Variation ID: 944378). This variant has not been reported in the literature in individuals affected with SBF2-related conditions. This variant is not present in population databases (gnomAD no frequency). This sequence change replaces lysine, which is basic and polar, with threonine, which is neutral and polar, at codon 1813 of the SBF2 protein (p.Lys1813Thr).

Ambry Genetics
Classification: Uncertain significance for Inborn genetic diseases. Last evaluated: 2019-08-29. Review status: criteria provided, single submitter. Criteria: Ambry Variant Classification Scheme 2023. Collection method: clinical testing. Allele origin: germline.
Comment: The p.K1813T variant (also known as c.5438A>C), located in coding exon 39 of the SBF2 gene, results from an A to C substitution at nucleotide position 5438. The lysine at codon 1813 is replaced by threonine, an amino acid with similar properties. This amino acid position is highly conserved in available vertebrate species. In addition, the in silico prediction for this alteration is inconclusive. Since supporting evidence is limited at this time, the clinical significance of this alteration remains unclear.

NM_030962.4(SBF2):c.5438A>C (p.Lys1813Thr)

Genes: SBF2 (SET binding factor 2; minus strand), SBF2-AS1 (SBF2 antisense RNA 1; plus strand), LOC105369149 (uncharacterized LOC105369149; plus strand). Cytogenetic location: 11p15.4.
Variant type: single nucleotide variant.
Coding change: c.5438A>C on transcript NM_030962.4 (MANE Select); coding-DNA position 5438, A replaced by C.
Protein change: p.Lys1813Thr; replaces lysine 1813 with threonine.
Molecular consequence: missense variant.
Genome position (GRCh38, 1-based): chr11:9,781,520, T>G on the plus strand (A>C on the coding strand, the complement: SBF2 is on the minus strand). VCF-style: chr11-9781520-T-G. GRCh37 (hg19) VCF-style: chr11-9803067-T-G.
Other names: c.5534A>C, p.Lys1845Thr (NM_001386339.1); c.5309A>C, p.Lys1770Thr (NM_001386342.1); short protein forms K1813T, K1770T, K1845T.
Identifiers: ClinVar variation 944378 (VCV000944378.10), dbSNP rs1852006110, ClinGen allele CA379630016.